The following is an entry in ClinVar:

ClinVar aggregate classification (germline): Pathogenic (1 of 4 stars; one submission).

Conditions:
Epidermolysis bullosa simplex 3, localized or generalized intermediate, with BP230 deficiency (EBS3). Also called: Epidermolysis bullosa simplex due to BP230 deficiency; Epidermolysis bullosa simplex, autosomal recessive 2. Identifiers: Orphanet 412181, MedGen C3809470, MONDO:0014180, OMIM 615425.
Hereditary sensory and autonomic neuropathy type 6. Also called: HSAN VI; Neuropathy, hereditary sensory and autonomic, type VI. Identifiers: Orphanet 314381, MedGen C3539003, MONDO:0013839, OMIM 614653.

Submission:

Labcorp Genetics (formerly Invitae), Labcorp
Classification: Pathogenic for Epidermolysis bullosa simplex 3, localized or generalized intermediate, with BP230 deficiency; Hereditary sensory and autonomic neuropathy type 6. Last evaluated: 2024-04-02. Review status: criteria provided, single submitter. Criteria: Invitae Variant Classification Sherloc (09022015). Collection method: clinical testing. Allele origin: germline.
Comment: This sequence change creates a premature translational stop signal (p.Ile1593Phefs*8) in the DST gene. It is expected to result in an absent or disrupted protein product. Loss-of-function variants in DST are known to be pathogenic (PMID: 22522446, 25059916, 30371979). This variant is not present in population databases (gnomAD no frequency). This variant has not been reported in the literature in individuals affected with DST-related conditions. For these reasons, this variant has been classified as Pathogenic.

Literature cited by the submitters: PubMed 22522446; PubMed 25059916; PubMed 30371979.

NM_001723.7(DST):c.4777del (p.Ile1593fs)

Gene: DST (dystonin; minus strand). Cytogenetic location: 6p12.1.
Variant type: Deletion.
Coding change: c.4777del on transcript NM_001723.7 (MANE Plus Clinical); coding-DNA position 4777, one base deleted (A; older notation c.4777delA).
Protein change: p.Ile1593fs; shifts the reading frame from isoleucine 1593.
Molecular consequence: frameshift variant. On other transcripts: intron variant (10).
Genome position (GRCh38, 1-based): chr6:56,619,257, T deleted on the plus strand (A on the coding strand, the reverse complement: DST is on the minus strand); the first of 2 consecutive T bases (chr6:56,619,257-56,619,258); deleting either gives the same sequence. VCF-style (leftmost placement, unchanged base first): chr6-56619256-AT-A. GRCh37 (hg19) VCF-style: chr6-56484054-AT-A.
Other names: c.4831-4773del (NM_001144769.5); c.4930-4773del (NM_001374722.1, NM_001374736.1); c.4957-4773del (NM_001374734.1); c.4417-4773del (NM_001144770.2); c.4297-4773del (NM_001374730.1, NM_001386100.1, NM_183380.4 and 1 more transcripts); c.3319-4773del (NM_015548.5); short protein forms I1593fs.
Identifiers: ClinVar variation 3753017 (VCV003753017.2).